The following is an entry in ClinVar:

ClinVar aggregate classification (germline): Uncertain significance (1 of 4 stars; one submission).

Conditions:
Juvenile polyposis syndrome (JPS). Identifiers: Orphanet 2929, MedGen C0345893, MONDO:0017380, OMIM 174900.

Submission:

Labcorp Genetics (formerly Invitae), Labcorp
Classification: Uncertain significance for Juvenile polyposis syndrome. Last evaluated: 2023-07-11. Review status: criteria provided, single submitter. Criteria: Invitae Variant Classification Sherloc (09022015). Collection method: clinical testing. Allele origin: germline.
Comment: In summary, the available evidence is currently insufficient to determine the role of this variant in disease. Therefore, it has been classified as a Variant of Uncertain Significance. Advanced modeling of protein sequence and biophysical properties (such as structural, functional, and spatial information, amino acid conservation, physicochemical variation, residue mobility, and thermodynamic stability) performed at Invitae indicates that this missense variant is not expected to disrupt BMPR1A protein function. This variant has not been reported in the literature in individuals affected with BMPR1A-related conditions. This variant is not present in population databases (gnomAD no frequency). This sequence change replaces leucine, which is neutral and non-polar, with serine, which is neutral and polar, at codon 50 of the BMPR1A protein (p.Leu50Ser).

NM_004329.3(BMPR1A):c.149T>C (p.Leu50Ser)

Gene: BMPR1A (bone morphogenetic protein receptor type 1A; plus strand). Cytogenetic location: 10q23.2.
Variant type: single nucleotide variant.
Coding change: c.149T>C on transcript NM_004329.3 (MANE Select); coding-DNA position 149, T replaced by C.
Protein change: p.Leu50Ser; replaces leucine 50 with serine.
Molecular consequence: missense variant. On other transcripts: non-coding transcript variant (3).
Genome position (GRCh38, 1-based): chr10:86,890,143, T>C. VCF-style: chr10-86890143-T-C. GRCh37 (hg19) VCF-style: chr10-88649900-T-C.
Other names: c.149T>C, p.Leu50Ser (NM_001406562.1, NM_001406563.1, NM_001406564.1 and 23 more transcripts); c.65T>C, p.Leu22Ser (NM_001406584.1, NM_001406585.1, NM_001406586.1 and 2 more transcripts); short protein forms L22S, L50S.
Identifiers: ClinVar variation 2741508 (VCV002741508.3), dbSNP rs2539431638, ClinGen allele CA377446680.